The following is an entry in ClinVar:

ClinVar aggregate classification (germline): Uncertain significance. Review status: criteria provided, multiple submitters, no conflicts (2 of 4 stars). 2 submissions from 2 submitters: Uncertain significance (2). Last evaluated 2021-07-04.

Conditions:
RYR1-related disorder. Also called: RYR1-related condition; RYR1-related disorders. Identifiers: MedGen CN239331.

Submissions (2):

Labcorp Genetics (formerly Invitae), Labcorp
Classification: Uncertain significance for RYR1-related disorder. Last evaluated: 2021-07-04. Review status: criteria provided, single submitter. Criteria: Invitae Variant Classification Sherloc (09022015). Collection method: clinical testing. Allele origin: germline.
Comment: This sequence change replaces arginine with tryptophan at codon 2369 of the RYR1 protein (p.Arg2369Trp). The arginine residue is highly conserved and there is a moderate physicochemical difference between arginine and tryptophan. This variant is not present in population databases (ExAC no frequency). This variant has not been reported in the literature in individuals affected with RYR1-related conditions. Algorithms developed to predict the effect of missense changes on protein structure and function are either unavailable or do not agree on the potential impact of this missense change (SIFT: "Deleterious"; PolyPhen-2: "Possibly Damaging"; Align-GVGD: "Class C0"). In summary, the available evidence is currently insufficient to determine the role of this variant in disease. Therefore, it has been classified as a Variant of Uncertain Significance.

Revvity Omics, Revvity
Classification: Uncertain significance. Last evaluated: 2020-02-12. Review status: criteria provided, single submitter. Criteria: ACMG Guidelines, 2015. Collection method: clinical testing. Allele origin: germline.

NM_000540.3(RYR1):c.7105C>T (p.Arg2369Trp)

Gene: RYR1 (ryanodine receptor 1; plus strand). Cytogenetic location: 19q13.2.
Variant type: single nucleotide variant.
Coding change: c.7105C>T on transcript NM_000540.3 (MANE Select); coding-DNA position 7105, C replaced by T.
Protein change: p.Arg2369Trp; replaces arginine 2369 with tryptophan.
Molecular consequence: missense variant.
Genome position (GRCh38, 1-based): chr19:38,499,712, C>T. VCF-style: chr19-38499712-C-T. GRCh37 (hg19) VCF-style: chr19-38990352-C-T.
Other names: c.7105C>T, p.Arg2369Trp (NM_001042723.2); c.7105C>T (NM_000540.2); short protein forms R2369W.
Identifiers: ClinVar variation 1404279 (VCV001404279.10), dbSNP rs758509249, ClinGen allele CA405668091.